The following is an entry in ClinVar:

NM_030943.4(AMN):c.811C>T (p.Arg271Trp)

Gene: AMN (amnion associated transmembrane protein; plus strand). Cytogenetic location: 14q32.32.
Variant type: single nucleotide variant.
Coding change: c.811C>T on transcript NM_030943.4 (MANE Select); coding-DNA position 811, C replaced by T.
Protein change: p.Arg271Trp; replaces arginine 271 with tryptophan.
Molecular consequence: missense variant.
Genome position (GRCh38, 1-based): chr14:102,929,705, C>T. VCF-style: chr14-102929705-C-T. GRCh37 (hg19) VCF-style: chr14-103396042-C-T.
Other names: c.811C>T (NM_030943.3); short protein forms R271W.
Identifiers: ClinVar variation 1052839 (VCV001052839.6), dbSNP rs765147150, ClinGen allele CA7360007.

ClinVar aggregate classification (germline): Uncertain significance. Review status: criteria provided, multiple submitters, no conflicts (2 of 4 stars). 3 submissions from 3 submitters: Uncertain significance (3). Last evaluated 2023-05-31.

Conditions:
Inborn genetic diseases. Identifiers: MedGen C0950123, MeSH D030342.
Imerslund-Grasbeck syndrome type 2. Also called: Megaloblastic anemia 1, Norwegian type; MEGALOBLASTIC ANEMIA, NORWEGIAN TYPE; Imerslund-Gräsbeck syndrome 2. Identifiers: MedGen C4016948, MONDO:0100157, OMIM 618882.
Imerslund-Grasbeck syndrome. Also called: Imerslund-Gräsbeck syndrome; ENTEROCYTE COBALAMIN MALABSORPTION; ENTEROCYTE INTRINSIC FACTOR RECEPTOR, DEFECT OF; PERNICIOUS ANEMIA, JUVENILE, DUE TO SELECTIVE INTESTINAL MALABSORPTION OF VITAMIN B12, WITH PROTEINURIA; Megaloblastic anemia due to inborn errors of metabolism. Identifiers: Orphanet 35858, MedGen C4551825, MONDO:0009853.

Allele frequency attached by ClinVar (database versions not stated): TOPMed 0.00003; gnomAD 0.00003.

Submissions (3):

Ambry Genetics
Classification: Uncertain significance for Inborn genetic diseases. Last evaluated: 2023-05-31. Review status: criteria provided, single submitter. Criteria: Ambry Variant Classification Scheme 2023. Collection method: clinical testing. Allele origin: germline.

Labcorp Genetics (formerly Invitae), Labcorp
Classification: Uncertain significance for Imerslund-Grasbeck syndrome. Last evaluated: 2022-09-12. Review status: criteria provided, single submitter. Criteria: Invitae Variant Classification Sherloc (09022015). Collection method: clinical testing. Allele origin: germline.
Comment: This sequence change replaces arginine, which is basic and polar, with tryptophan, which is neutral and slightly polar, at codon 271 of the AMN protein (p.Arg271Trp). The frequency data for this variant in the population databases is considered unreliable, as metrics indicate poor data quality at this position in the gnomAD database. This variant has not been reported in the literature in individuals affected with AMN-related conditions. ClinVar contains an entry for this variant (Variation ID: 1052839). Advanced modeling of protein sequence and biophysical properties (such as structural, functional, and spatial information, amino acid conservation, physicochemical variation, residue mobility, and thermodynamic stability) performed at Invitae indicates that this missense variant is expected to disrupt AMN protein function. In summary, the available evidence is currently insufficient to determine the role of this variant in disease. Therefore, it has been classified as a Variant of Uncertain Significance.

Fulgent Genetics
Classification: Uncertain significance for Imerslund-Grasbeck syndrome type 2. Last evaluated: 2022-02-08. Review status: criteria provided, single submitter. Criteria: ACMG Guidelines, 2015. Collection method: clinical testing. Allele origin: unknown.